The following is an entry in ClinVar:

NM_003482.4(KMT2D):c.5892G>A (p.Pro1964=)

Gene: KMT2D (lysine methyltransferase 2D; minus strand). Cytogenetic location: 12q13.12.
Variant type: single nucleotide variant.
Coding change: c.5892G>A on transcript NM_003482.4 (MANE Select); coding-DNA position 5892, G replaced by A.
Protein change: p.Pro1964=; no amino-acid change (proline 1964 retained).
Molecular consequence: synonymous variant.
Genome position (GRCh38, 1-based): chr12:49,042,306, C>T on the plus strand (G>A on the coding strand, the complement: KMT2D is on the minus strand). VCF-style: chr12-49042306-C-T. GRCh37 (hg19) VCF-style: chr12-49436089-C-T.
Identifiers: ClinVar variation 290685 (VCV000290685.18), dbSNP rs761930376, ClinGen allele CA6547400.

ClinVar aggregate classification (germline): Conflicting classifications of pathogenicity. Review status: criteria provided, conflicting classifications (1 of 4 stars). 3 submissions from 3 submitters: Uncertain significance (1); Benign (1); Likely benign (1). Last evaluated 2026-01-19.

Conditions:
Kabuki syndrome. Also called: Kabuki make-up syndrome; NIIKAWA-KUROKI SYNDROME. Identifiers: Orphanet 2322, MedGen C0796004, MONDO:0016512.

Allele frequency attached by ClinVar (database versions not stated): gnomAD 0.00004; gnomAD exomes 0.00004 and 0.00005; ExAC 0.00005; TOPMed 0.00007.
gnomAD v4.1: 65 of 1,552,264 alleles (0.0042%); highest among the groups gnomAD compares: Middle Eastern, 0.034%; no homozygotes.

Submissions (3):

Labcorp Genetics (formerly Invitae), Labcorp
Classification: Benign for Kabuki syndrome. Last evaluated: 2026-01-19. Review status: criteria provided, single submitter. Criteria: Invitae Variant Classification Sherloc (09022015). Collection method: clinical testing. Allele origin: germline.

CeGaT Center for Human Genetics Tuebingen
Classification: Likely benign. Last evaluated: 2025-05-01. Review status: criteria provided, single submitter. Criteria: CeGaT Center For Human Genetics Tuebingen Variant Classification Criteria Version 2. Collection method: clinical testing. Allele origin: germline. Affected: yes. Observed: 1 variant allele.
Comment: KMT2D: BP4, BP7

Eurofins Ntd Llc (ga)
Classification: Uncertain significance. Last evaluated: 2016-09-14. Review status: criteria provided, single submitter. Criteria: EGL Classification Definitions 2015. Collection method: clinical testing. Allele origin: germline. Observed: 1 variant allele, 1 heterozygote.